The following is an entry in ClinVar:

ClinVar aggregate classification (germline): Conflicting classifications of pathogenicity. Review status: criteria provided, conflicting classifications (1 of 4 stars). 8 submissions from 8 submitters: Pathogenic (5); Likely pathogenic (1); Uncertain significance (1). 1 of the submissions does not count toward it. Last evaluated 2025-05-29.

Conditions:
Fanconi anemia (FA). Also called: Fanconi's anemia. Identifiers: Orphanet 84, MedGen C0015625, MeSH D005199, MONDO:0019391.
Fanconi anemia complementation group A (FANCA). Also called: Fanconi anemia, group A; FANCA-Related Fanconi Anemia. Identifiers: Orphanet 84, MedGen C3469521, MONDO:0009215, OMIM 227650.

Allele frequency attached by ClinVar (database versions not stated): ExAC 0.00012.
gnomAD v4.1: 25 of 1,614,066 alleles (0.0015%); highest among the groups gnomAD compares: Non-Finnish European, 0.002%; no homozygotes.

Submissions (8):

Myriad Genetics, Inc.
Classification: Likely pathogenic for Fanconi anemia complementation group A. Last evaluated: 2025-05-29. Review status: criteria provided, single submitter. Criteria: Myriad Autosomal Dominant, Autosomal Recessive and X-Linked Classification Criteria (2023). Collection method: clinical testing. Allele origin: unknown.
Comment: NM_000135.2(FANCA):c.2807A>G(E936G) is a missense variant classified as likely pathogenic in the context of Fanconi anemia complementation group A. E936G has been observed in cases with relevant disease (PMID: 17924555, 15643609). Relevant functional assessments of this variant are available in the literature (PMID: 17924555, 28215707). E936G has been observed in referenced population frequency databases. In summary, NM_000135.2(FANCA):c.2807A>G(E936G) is a missense variant that has functional support for pathogenicity and has been observed more frequently in cases with the relevant disease than in healthy populations. Please note: this variant was assessed in the context of healthy population screening.

Natera, Inc.
Classification: Pathogenic for Fanconi anemia. Last evaluated: 2024-09-25. Review status: criteria provided, single submitter. Criteria: Natera Variant Classification Schema (03/2026). Collection method: clinical testing. Allele origin: germline.
Comment: The c.2807A>G variant in FANCA is a missense variant predicted to cause substitution of glutamic acid to glycine at amino acid 936. This variant is rare in the general population with a frequency below the threshold expected for the associated phenotype(s). This variant has been observed in one or more individuals affected with the associated recessive disease, as either homozygous or compound heterozygous with a second variant (PMID: 15643609, 15643609). Computational prediction algorithms indicate this variant is likely to affect gene or protein function. Given the available evidence, this variant is classified as Pathogenic.

Labcorp Genetics (formerly Invitae), Labcorp
Classification: Pathogenic for Fanconi anemia. Last evaluated: 2024-03-29. Review status: criteria provided, single submitter. Criteria: Invitae Variant Classification Sherloc (09022015). Collection method: clinical testing. Allele origin: germline.
Comment: This sequence change replaces glutamic acid, which is acidic and polar, with glycine, which is neutral and non-polar, at codon 936 of the FANCA protein (p.Glu936Gly). This variant is present in population databases (rs766643461, gnomAD 0.01%). This missense change has been observed in individual(s) with Fanconi anemia (PMID: 15643609, 17924555). In at least one individual the data is consistent with being in trans (on the opposite chromosome) from a pathogenic variant. ClinVar contains an entry for this variant (Variation ID: 859808). Advanced modeling of protein sequence and biophysical properties (such as structural, functional, and spatial information, amino acid conservation, physicochemical variation, residue mobility, and thermodynamic stability) performed at Invitae indicates that this missense variant is expected to disrupt FANCA protein function with a positive predictive value of 80%. For these reasons, this variant has been classified as Pathogenic.

Baylor Genetics
Classification: Pathogenic for Fanconi anemia complementation group A. Last evaluated: 2023-12-03. Review status: criteria provided, single submitter. Criteria: ACMG Guidelines, 2015. Collection method: clinical testing. Allele origin: unknown.

GeneDx
Classification: Pathogenic. Last evaluated: 2022-02-03. Review status: criteria provided, single submitter. Criteria: GeneDx Variant Classification Process June 2021. Collection method: clinical testing. Allele origin: germline. Affected: yes.
Comment: Published functional studies demonstrate a damaging effect, with cell lines expressing the variant considered functionally null by both MMC cell viability and FANCD2 ubiquitylation assays (Karras et al., 2017); This variant is associated with the following publications: (PMID: 25525159, 31263571, 28215707, 17924555, 15643609)

Blueprint Genetics
Classification: Uncertain significance. Last evaluated: 2021-11-25. Review status: criteria provided, single submitter. Criteria: ACMG Guidelines, 2015. Collection method: clinical testing. Allele origin: germline.

Rady Children's Institute for Genomic Medicine, Rady Children's Hospital San Diego
Classification: Pathogenic for Fanconi Anemia. Review status: criteria provided, single submitter. Criteria: ACMG Guidelines, 2015. Collection method: clinical testing. Allele origin: germline. Affected: yes.
Comment: This variant has been previously reported as a compound heterozygous change in patients with Fanconi anemia (PMID: 15643609, 17924555). Functional studies showed that this variant impaired the normal function of FANCA and also affected FANCA mRNA splicing (PMID: 17924555, 28215707). The c.2807A>G (p.Glu936Gly) variant is present in the heterozygous state in the gnomAD population database at a frequency of 0.006% (15/251486) and is absent in the homozygous state, thus is presumed to be rare. The c.2807A>G (p.Glu936Gly) variant affects a highly conserved amino acid and is predicted by multiple in silico tools to have a deleterious effect on protein function. Based on the available evidence, the c.2807A>G (p.Glu936Gly) variant is classified as Pathogenic.

Leiden Open Variation Database
Classification: Pathogenic for Fanconi anemia complementation group A. Last evaluated: 2020-02-28. Review status: no assertion criteria provided. Collection method: curation. Allele origin: germline. Affected: yes. Not counted in ClinVar's aggregate classification.
Comment: Curator: Arleen D. Auerbach. Submitters to LOVD: Arleen D. Auerbach, Johan de Winter.

Literature cited by the submitters: PubMed 15643609 (cited by 3 submitters); PubMed 17924555 (cited by 3 submitters); PubMed 28215707 (cited by Myriad Genetics, Inc.).

NM_000135.4(FANCA):c.2807A>G (p.Glu936Gly)

Gene: FANCA (FA complementation group A; minus strand). Cytogenetic location: 16q24.3.
Variant type: single nucleotide variant.
Coding change: c.2807A>G on transcript NM_000135.4 (MANE Select); coding-DNA position 2807, A replaced by G.
Protein change: p.Glu936Gly; replaces glutamic acid 936 with glycine.
Molecular consequence: missense variant.
Genome position (GRCh38, 1-based): chr16:89,761,994, T>C on the plus strand (A>G on the coding strand, the complement: FANCA is on the minus strand). VCF-style: chr16-89761994-T-C. GRCh37 (hg19) VCF-style: chr16-89828402-T-C.
Other names: c.2807A>G, p.Glu936Gly (NM_001286167.3); c.2807A>G (NM_000135.3); short protein forms E936G.
Identifiers: ClinVar variation 859808 (VCV000859808.18), dbSNP rs766643461, ClinGen allele CA8251497.
Genomic context (GRCh38, chr16:89,761,994, plus strand): 5'-CTTTTCAACACTTACCGTTCAGTATCTGAAAGAGCATCAGCTTCAGGTTGAATTTCCAGC[T>C]CCAGGTGTAACCAGTCTTGGTAAGTTAACTGAGAAAGAGAGCAAGCAATTCAATACAATG-3'
Protein context (NP_000126.2, residues 926-946): HLTYQDWLHL[Glu936Gly]LEIQPEADAL